The following is an entry in ClinVar:

ClinVar aggregate classification (germline): Likely pathogenic (1 of 4 stars; one submission).

Conditions:
CHD4-related disorder. Also called: CHD4-related condition.

Submission:

GeneDx
Classification: Likely pathogenic. Last evaluated: 2017-04-20. Review status: criteria provided, single submitter. Criteria: GeneDx Variant Classification (06012015). Collection method: clinical testing. Allele origin: germline. Affected: yes.
Comment: The c.2662delG variant in the CHD4 gene has not been reported previously as a pathogenic variantnor as a benign variant, to our knowledge. The c.2662delG variant causes a frameshift starting withcodon Valine 888, changes this amino acid to a Tyrosine residue, and creates a premature Stop codonat position 2 of the new reading frame, denoted p.Val888TyrfsX2. This variant is predicted to causeloss of normal protein function either through protein truncation or nonsense-mediated mRNA decay.However, loss of function is not a known mechanism of disease for the CHD4 gene. The c.2662delGvariant is not observed in large population cohorts (Lek et al., 2016; 1000 Genomes Consortium etal., 2015; Exome Variant Server). We interpret c.2662delG as a likely pathogenic variant.

NM_001273.5(CHD4):c.2662del (p.Val888fs)

Gene: CHD4 (chromodomain helicase DNA binding protein 4; minus strand). Cytogenetic location: 12p13.31.
Variant type: Deletion.
Coding change: c.2662del on transcript NM_001273.5 (MANE Select); coding-DNA position 2662, one base deleted (G; older notation c.2662delG).
Protein change: p.Val888fs; shifts the reading frame from valine 888.
Molecular consequence: frameshift variant.
Genome position (GRCh38, 1-based): chr12:6,592,808, C deleted on the plus strand (G on the coding strand, the reverse complement: CHD4 is on the minus strand); the first of 3 consecutive C bases (chr12:6,592,808-6,592,810); deleting any one gives the same sequence. VCF-style (leftmost placement, unchanged base first): chr12-6592807-AC-A. GRCh37 (hg19) VCF-style: chr12-6701973-AC-A.
Other names: c.2641del, p.Val881fs (NM_001297553.2); c.2623del, p.Val875fs (NM_001363606.2); c.2662delG (NM_001273.3); short protein forms V875fs, V888fs, V881fs.
Identifiers: ClinVar variation 449952 (VCV000449952.4), dbSNP rs1555170507, ClinGen allele CA658658117.